The following is an entry in ClinVar:

ClinVar aggregate classification (germline): Benign (1 of 4 stars; one submission).

Allele frequency attached by ClinVar (database versions not stated): TOPMed 0.45866; gnomAD 0.46949 and 0.47419; 1000 Genomes Project 30x 0.47189; 1000 Genomes Project 0.48083.
gnomAD v4.1: 72,036 of 151,688 alleles (47%); highest among the groups gnomAD compares: East Asian, 56%; 17,953 homozygotes.

Submission:

GeneDx
Classification: Benign. Last evaluated: 2018-06-14. Review status: criteria provided, single submitter. Criteria: GeneDx Variant Classification (06012015). Collection method: clinical testing. Allele origin: germline. Affected: yes.
Comment: This variant is considered likely benign or benign based on one or more of the following criteria: it is a conservative change, it occurs at a poorly conserved position in the protein, it is predicted to be benign by multiple in silico algorithms, and/or has population frequency not consistent with disease.

NM_001165963.4(SCN1A):c.383+185T>C

Gene: SCN1A (sodium voltage-gated channel alpha subunit 1; minus strand). Cytogenetic location: 2q24.3.
Variant type: single nucleotide variant.
Coding change: c.383+185T>C on transcript NM_001165963.4 (MANE Select); 185 bases into the intron after coding-DNA position 383, T replaced by C.
Molecular consequence: intron variant.
Genome position (GRCh38, 1-based): chr2:166,058,385, A>G on the plus strand (T>C on the coding strand, the complement: SCN1A is on the minus strand). VCF-style: chr2-166058385-A-G. GRCh37 (hg19) VCF-style: chr2-166914895-A-G.
Other names: c.383+185T>C (NM_001353949.2, NM_001353958.2, NM_001353950.2 and 10 more transcripts); c.-2043+185T>C (NM_001353961.2).
Identifiers: ClinVar variation 669295 (VCV000669295.1), dbSNP rs7564306, ClinGen allele CA59804290.